The following is an entry in ClinVar:

NM_000256.3(MYBPC3):c.1459_1463delinsGTGGAGCTGACCCGGGGT (p.Leu487fs)

Gene: MYBPC3 (myosin binding protein C3; minus strand). Cytogenetic location: 11p11.2.
Variant type: Indel.
Coding change: c.1459_1463delinsGTGGAGCTGACCCGGGGT on transcript NM_000256.3 (MANE Select); coding-DNA positions 1459 to 1463, CTGAA replaced by GTGGAGCTGACCCGGGGT.
Protein change: p.Leu487fs; shifts the reading frame from leucine 487.
Molecular consequence: frameshift variant.
Genome position (GRCh38, 1-based): chr11:47,342,739-47,342,743, TTCAG replaced by ACCCCGGGTCAGCTCCAC on the plus strand (CTGAA replaced by GTGGAGCTGACCCGGGGT on the coding strand, the reverse complement: MYBPC3 is on the minus strand). VCF-style: chr11-47342739-TTCAG-ACCCCGGGTCAGCTCCAC. GRCh37 (hg19) VCF-style: chr11-47364290-TTCAG-ACCCCGGGTCAGCTCCAC.
Other names: short protein forms L487fs.
Identifiers: ClinVar variation 5019884 (VCV005019884.1).

ClinVar aggregate classification (germline): Likely pathogenic (1 of 4 stars; one submission).

Conditions:
Hypertrophic cardiomyopathy 4. Also called: Familial hypertrophic cardiomyopathy 4. Identifiers: MedGen C1861862, MONDO:0007268, OMIM 115197.

Submission:

Juno Genomics, Hangzhou Juno Genomics, Inc
Classification: Likely pathogenic for Hypertrophic cardiomyopathy 4. Review status: criteria provided, single submitter. Criteria: ACMG Guidelines, 2015. Collection method: clinical testing. Allele origin: germline. Affected: yes.
Comment: Absent from controls (or at extremely low frequency if recessive) in Genome Aggregation Database.;Null variant in a gene where loss of function (LOF) is a known mechanism of disease.